The following is an entry in ClinVar:

NM_006509.4(RELB):c.125C>T (p.Ser42Leu)

Gene: RELB (RELB proto-oncogene, NF-kB subunit; plus strand). Cytogenetic location: 19q13.32.
Variant type: single nucleotide variant.
Coding change: c.125C>T on transcript NM_006509.4 (MANE Select); coding-DNA position 125, C replaced by T.
Protein change: p.Ser42Leu; replaces serine 42 with leucine.
Molecular consequence: missense variant.
Genome position (GRCh38, 1-based): chr19:45,002,967, C>T. VCF-style: chr19-45002967-C-T. GRCh37 (hg19) VCF-style: chr19-45506225-C-T.
Other names: c.125C>T, p.Ser42Leu (NM_001411087.1); short protein forms S42L.
Identifiers: ClinVar variation 3614985 (VCV003614985.2).

ClinVar aggregate classification (germline): Uncertain significance (1 of 4 stars; one submission).

Submission:

Labcorp Genetics (formerly Invitae), Labcorp
Classification: Uncertain significance. Last evaluated: 2024-01-17. Review status: criteria provided, single submitter. Criteria: Invitae Variant Classification Sherloc (09022015). Collection method: clinical testing. Allele origin: germline.
Comment: This sequence change replaces serine, which is neutral and polar, with leucine, which is neutral and non-polar, at codon 42 of the RELB protein (p.Ser42Leu). This variant is not present in population databases (gnomAD no frequency). This variant has not been reported in the literature in individuals affected with RELB-related conditions. An algorithm developed to predict the effect of missense changes on protein structure and function (PolyPhen-2) suggests that this variant is likely to be tolerated. In summary, the available evidence is currently insufficient to determine the role of this variant in disease. Therefore, it has been classified as a Variant of Uncertain Significance.